The following is an entry in ClinVar:

ClinVar aggregate classification (germline): Uncertain significance. Review status: criteria provided, multiple submitters, no conflicts (2 of 4 stars). 2 submissions from 2 submitters: Uncertain significance (2). Last evaluated 2023-11-17.

Conditions:
Familial hemophagocytic lymphohistiocytosis 3 (FHL3). Also called: UNC13D-Related Familial Hemophagocytic Lymphohistiocytosis (UNC13D-fHLH). Identifiers: Orphanet 540, MedGen C1837174, MONDO:0012146, OMIM 608898.

gnomAD v4.1: 17 of 1,579,904 alleles (0.0011%); highest among the groups gnomAD compares: Non-Finnish European, 0.0014%; no homozygotes.

Submissions (2):

Mayo Clinic Laboratories, Mayo Clinic
Classification: Uncertain significance. Last evaluated: 2023-11-17. Review status: criteria provided, single submitter. Criteria: ACMG Guidelines, 2015. Collection method: clinical testing. Allele origin: germline. Observed: 1 variant allele.

Labcorp Genetics (formerly Invitae), Labcorp
Classification: Uncertain significance for Familial hemophagocytic lymphohistiocytosis 3. Last evaluated: 2022-06-05. Review status: criteria provided, single submitter. Criteria: Invitae Variant Classification Sherloc (09022015). Collection method: clinical testing. Allele origin: germline.
Comment: This sequence change replaces arginine, which is basic and polar, with glycine, which is neutral and non-polar, at codon 966 of the UNC13D protein (p.Arg966Gly). This variant is present in population databases (no rsID available, gnomAD 0.005%). This variant has not been reported in the literature in individuals affected with UNC13D-related conditions. Algorithms developed to predict the effect of missense changes on protein structure and function are either unavailable or do not agree on the potential impact of this missense change (SIFT: "Not Available"; PolyPhen-2: "Benign"; Align-GVGD: "Not Available"). In summary, the available evidence is currently insufficient to determine the role of this variant in disease. Therefore, it has been classified as a Variant of Uncertain Significance.

NM_199242.3(UNC13D):c.2896C>G (p.Arg966Gly)

Genes: UNC13D (unc-13 homolog D; minus strand), LOC112533672 (Sharpr-MPRA regulatory region 1193; plus strand). Cytogenetic location: 17q25.1.
Variant type: single nucleotide variant.
Coding change: c.2896C>G on transcript NM_199242.3 (MANE Select); coding-DNA position 2896, C replaced by G.
Protein change: p.Arg966Gly; replaces arginine 966 with glycine.
Molecular consequence: missense variant.
Genome position (GRCh38, 1-based): chr17:75,830,086, G>C on the plus strand (C>G on the coding strand, the complement: UNC13D is on the minus strand). VCF-style: chr17-75830086-G-C. GRCh37 (hg19) VCF-style: chr17-73826167-G-C.
Other names: p.Arg966Gly; short protein forms R966G.
Identifiers: ClinVar variation 1988952 (VCV001988952.2), dbSNP rs118049905, ClinGen allele CA401078133.